The following is an entry in ClinVar:

NM_052859.4(RFT1):c.1102+5G>A

Gene: RFT1 (RFT1 glycolipid translocator homolog; minus strand). Cytogenetic location: 3p21.1.
Variant type: single nucleotide variant.
Coding change: c.1102+5G>A on transcript NM_052859.4 (MANE Select); 5 bases into the intron after coding-DNA position 1102, G replaced by A.
Molecular consequence: intron variant.
Genome position (GRCh38, 1-based): chr3:53,103,948, C>T on the plus strand (G>A on the coding strand, the complement: RFT1 is on the minus strand). VCF-style: chr3-53103948-C-T. GRCh37 (hg19) VCF-style: chr3-53137964-C-T.
Identifiers: ClinVar variation 1509914 (VCV001509914.3), dbSNP rs947230997, ClinGen allele CA74831402.

ClinVar aggregate classification (germline): Uncertain significance (1 of 4 stars; one submission).

Conditions:
RFT1-congenital disorder of glycosylation (CDG1N). Also called: CDG In; Congenital disorder of glycosylation type In; RFT1-CDG. Identifiers: Orphanet 244310, MedGen C2677590, MONDO:0012783, OMIM 612015.

Allele frequency attached by ClinVar (database versions not stated): gnomAD 0.00002; gnomAD exomes 0.00002; TOPMed 0.00003.
gnomAD v4.1: 19 of 1,614,016 alleles (0.0012%); highest among the groups gnomAD compares: South Asian, 0.0055%; no homozygotes.

Submission:

Labcorp Genetics (formerly Invitae), Labcorp
Classification: Uncertain significance for RFT1-congenital disorder of glycosylation. Last evaluated: 2022-02-22. Review status: criteria provided, single submitter. Criteria: Invitae Variant Classification Sherloc (09022015). Collection method: clinical testing. Allele origin: germline.
Comment: This sequence change falls in intron 10 of the RFT1 gene. It does not directly change the encoded amino acid sequence of the RFT1 protein. It affects a nucleotide within the consensus splice site. This variant is present in population databases (no rsID available, gnomAD 0.01%). This variant has not been reported in the literature in individuals affected with RFT1-related conditions. Variants that disrupt the consensus splice site are a relatively common cause of aberrant splicing (PMID: 17576681, 9536098). Algorithms developed to predict the effect of sequence changes on RNA splicing suggest that this variant may disrupt the consensus splice site. In summary, the available evidence is currently insufficient to determine the role of this variant in disease. Therefore, it has been classified as a Variant of Uncertain Significance.

Literature cited by the submitters: PubMed 17576681; PubMed 9536098.